The following is an entry in ClinVar:

ClinVar aggregate classification (germline): Likely pathogenic. Review status: criteria provided, multiple submitters, no conflicts (2 of 4 stars). 6 submissions from 6 submitters: Likely pathogenic (3). 3 of the submissions do not count toward it. Last evaluated 2023-12-03.

Conditions:
VPS13B-related disorder. Also called: VPS13B-related condition.
Cohen syndrome (COH1). Also called: PEPPER SYNDROME; Cutis verticis gyrata, retinitis pigmentosa, and sensorineural deafness. Identifiers: Orphanet 193, MedGen C0265223, MONDO:0008999, OMIM 216550.

Allele frequency attached by ClinVar (database versions not stated): gnomAD exomes below 0.00001.
gnomAD v4.1: 1 of 1,613,862 alleles (0.000062%); highest among the groups gnomAD compares: Non-Finnish European, 0.000085%; no homozygotes.

Submissions (6):

Labcorp Genetics (formerly Invitae), Labcorp
Classification: Likely pathogenic for Cohen syndrome. Last evaluated: 2023-12-03. Review status: criteria provided, single submitter. Criteria: Invitae Variant Classification Sherloc (09022015). Collection method: clinical testing. Allele origin: germline.
Comment: This sequence change affects an acceptor splice site in intron 3 of the VPS13B gene. It is expected to disrupt RNA splicing. Variants that disrupt the donor or acceptor splice site typically lead to a loss of protein function (PMID: 16199547), and loss-of-function variants in VPS13B are known to be pathogenic (PMID: 15141358, 16648375, 20461111). This variant is not present in population databases (gnomAD no frequency). This variant has not been reported in the literature in individuals affected with VPS13B-related conditions. ClinVar contains an entry for this variant (Variation ID: 56656). Algorithms developed to predict the effect of sequence changes on RNA splicing suggest that this variant may disrupt the consensus splice site. In summary, the currently available evidence indicates that the variant is pathogenic, but additional data are needed to prove that conclusively. Therefore, this variant has been classified as Likely Pathogenic.

Blueprint Genetics
Classification: Likely pathogenic for VPS13B-related disorders. Last evaluated: 2022-09-25. Review status: criteria provided, single submitter. Criteria: ACMG Guidelines, 2015. Collection method: clinical testing. Allele origin: germline. Affected: yes. Observed: 4 variant alleles.

Revvity Omics, Revvity
Classification: Likely pathogenic for Cohen syndrome. Last evaluated: 2022-06-06. Review status: criteria provided, single submitter. Criteria: ACMG Guidelines, 2015. Collection method: clinical testing. Allele origin: germline.

Natera, Inc.
Classification: Likely pathogenic for Cohen syndrome. Last evaluated: 2020-07-24. Review status: no assertion criteria provided. Collection method: clinical testing. Allele origin: germline. Not counted in ClinVar's aggregate classification.

Counsyl
Classification: Likely pathogenic for Cohen syndrome. Last evaluated: 2016-03-30. Review status: no assertion criteria provided. Collection method: clinical testing. Allele origin: unknown. Not counted in ClinVar's aggregate classification.

Juha Muilu Group; Institute for Molecular Medicine Finland (FIMM)
Classification: Likely pathogenic for Cohen syndrome. Review status: no assertion criteria provided. Collection method: not provided. Allele origin: unknown. Not counted in ClinVar's aggregate classification.
Comment: FinDis database variant: This variant was not found or characterized by our laboratory, data were collected from public sources: see reference
ClinVar note: Converted during submission from probable-pathogenic to Likely pathogenic.

Literature cited by the submitters: PubMed 16199547 (cited by Labcorp Genetics (formerly Invitae), Labcorp); PubMed 15141358 (cited by Labcorp Genetics (formerly Invitae), Labcorp); PubMed 16648375 (cited by Labcorp Genetics (formerly Invitae), Labcorp); PubMed 20461111 (cited by Labcorp Genetics (formerly Invitae), Labcorp).

NM_152564.5(VPS13B):c.292-2A>G

Gene: VPS13B (vacuolar protein sorting 13 homolog B; plus strand). Cytogenetic location: 8q22.2.
Variant type: single nucleotide variant.
Coding change: c.292-2A>G on transcript NM_152564.5 (MANE Select); the canonical splice acceptor site of the intron before coding-DNA position 292, A replaced by G.
Molecular consequence: splice acceptor variant.
Genome position (GRCh38, 1-based): chr8:99,096,310, A>G. VCF-style: chr8-99096310-A-G. GRCh37 (hg19) VCF-style: chr8-100108538-A-G.
Other names: c.292-2A>G (NM_017890.5, NM_015243.3, NM_181661.3).
Identifiers: ClinVar variation 56656 (VCV000056656.18), dbSNP rs386834079, ClinGen allele CA264058.
Genomic context (GRCh38, chr8:99,096,310, plus strand): 5'-TTTTTTCTTAATTCTTGAGTATGATCGATGGTTTTCTTTTTCTTTCTTTAAAATAAAAAT[A>G]GGATGACCATGAAAGCTGTGGTTCTAATTCTACCAACCGTAGTACTGCTGAGAGCACAAA-3'